The following is an entry in ClinVar:

NM_001365951.3(KIF1B):c.4247C>T (p.Ser1416Leu)

Gene: KIF1B (kinesin family member 1B; plus strand). Cytogenetic location: 1p36.22.
Variant type: single nucleotide variant.
Coding change: c.4247C>T on transcript NM_001365951.3 (MANE Select); coding-DNA position 4247, C replaced by T.
Protein change: p.Ser1416Leu; replaces serine 1416 with leucine.
Molecular consequence: missense variant.
Genome position (GRCh38, 1-based): chr1:10,361,768, C>T. VCF-style: chr1-10361768-C-T. GRCh37 (hg19) VCF-style: chr1-10421826-C-T.
Other names: c.4247C>T, p.Ser1416Leu (NM_001365952.1); c.4109C>T, p.Ser1370Leu (NM_015074.3); short protein forms S1370L, S1416L.
Identifiers: ClinVar variation 2625722 (VCV002625722.2), dbSNP rs2521886136, ClinGen allele CA338317593.

ClinVar aggregate classification (germline): Uncertain significance (1 of 4 stars; one submission).

gnomAD v4.1: 1 of 1,614,184 alleles (0.000062%); no homozygotes.

Submission:

Ambry Genetics
Classification: Uncertain significance. Last evaluated: 2023-08-02. Review status: criteria provided, single submitter. Criteria: Ambry Variant Classification Scheme 2023. Collection method: clinical testing. Allele origin: germline.
Comment: The p.S1370L variant (also known as c.4109C>T), located in coding exon 37 of the KIF1B gene, results from a C to T substitution at nucleotide position 4109. The serine at codon 1370 is replaced by leucine, an amino acid with dissimilar properties. This amino acid position is conserved. In addition, the in silico prediction for this alteration is inconclusive. Since supporting evidence is limited at this time, the clinical significance of this alteration remains unclear.